The following is an entry in ClinVar:

NM_004612.4(TGFBR1):c.1059A>G (p.Gly353=)

Gene: TGFBR1 (transforming growth factor beta receptor 1; plus strand). Cytogenetic location: 9q22.33.
Variant type: single nucleotide variant.
Coding change: c.1059A>G on transcript NM_004612.4 (MANE Select); coding-DNA position 1059, A replaced by G.
Protein change: p.Gly353=; no amino-acid change (glycine 353 retained).
Molecular consequence: synonymous variant.
Genome position (GRCh38, 1-based): chr9:99,144,817, A>G. VCF-style: chr9-99144817-A-G. GRCh37 (hg19) VCF-style: chr9-101907099-A-G.
Other names: c.828A>G, p.Gly276= (NM_001130916.3); c.1071A>G, p.Gly357= (NM_001306210.2).
Identifiers: ClinVar variation 515363 (VCV000515363.3), dbSNP rs1554701912, ClinGen allele CA466434706.

ClinVar aggregate classification (germline): Likely benign. Review status: criteria provided, multiple submitters, no conflicts (2 of 4 stars). 2 submissions from 2 submitters: Likely benign (2). Last evaluated 2024-10-03.

Conditions:
Familial thoracic aortic aneurysm and aortic dissection (TAAD). Also called: Thoracic aortic aneurysms and dissections. Identifiers: Orphanet 91387, MedGen C4707243, MONDO:0019625.

Submissions (2):

Labcorp Genetics (formerly Invitae), Labcorp
Classification: Likely benign for Familial thoracic aortic aneurysm and aortic dissection. Last evaluated: 2024-10-03. Review status: criteria provided, single submitter. Criteria: Invitae Variant Classification Sherloc (09022015). Collection method: clinical testing. Allele origin: germline.

GeneDx
Classification: Likely benign. Last evaluated: 2018-02-08. Review status: criteria provided, single submitter. Criteria: GeneDx Variant Classification (06012015). Collection method: clinical testing. Allele origin: germline. Affected: yes.
Comment: This variant is considered likely benign or benign based on one or more of the following criteria: it is a conservative change, it occurs at a poorly conserved position in the protein, it is predicted to be benign by multiple in silico algorithms, and/or has population frequency not consistent with disease.